The following is an entry in ClinVar:

ClinVar aggregate classification (germline): Conflicting classifications of pathogenicity. Review status: criteria provided, conflicting classifications (1 of 4 stars). 3 submissions from 3 submitters: Uncertain significance (2); Benign (1). Last evaluated 2025-02-24.

Conditions:
Oto-palato-digital syndrome, type II (OPD2). Also called: Otopalatodigital Syndrome, Type II; FACIOPALATOOSSEOUS SYNDROME; OPD II SYNDROME; Otopalatodigital Syndrome Type 2 (FLNA-OPD2). Identifiers: Orphanet 669, Orphanet 90652, MedGen C1844696, MONDO:0010571, OMIM 304120.
Frontometaphyseal dysplasia (FMD1). Identifiers: Orphanet 1826, MedGen C0265293, MONDO:0015942.
Heterotopia, periventricular, X-linked dominant (PVNH1). Also called: PERIVENTRICULAR NODULAR HETEROTOPIA 4; HETEROTOPIA, PERIVENTRICULAR, 1; PERIVENTRICULAR NODULAR HETEROTOPIA 1; X-linked periventricular heterotopia. Identifiers: Orphanet 2149, Orphanet 82004, MedGen C1848213, MONDO:0010233, OMIM 300049.
Melnick-Needles syndrome (MNS). Also called: MELNICK-NEEDLES OSTEODYSPLASTY; OSTEODYSPLASTY OF MELNICK AND NEEDLES; Melnick-Needles Syndrome (FLNA-MNS). Identifiers: Orphanet 2484, MedGen C0025237, MONDO:0010650, OMIM 309350.

Allele frequency attached by ClinVar (database versions not stated): gnomAD exomes below 0.00001 and 0.00001; TOPMed 0.00001; ExAC 0.00002.
gnomAD v4.1: 6 of 1,210,045 alleles (0.0005%); highest among the groups gnomAD compares: Middle Eastern, 0.023%; no homozygotes.

Submissions (3):

Labcorp Genetics (formerly Invitae), Labcorp
Classification: Benign for Oto-palato-digital syndrome, type II; Heterotopia, periventricular, X-linked dominant; Frontometaphyseal dysplasia; Melnick-Needles syndrome. Last evaluated: 2025-02-24. Review status: criteria provided, single submitter. Criteria: Invitae Variant Classification Sherloc (09022015). Collection method: clinical testing. Allele origin: germline.

CeGaT Center for Human Genetics Tuebingen
Classification: Uncertain significance. Last evaluated: 2024-09-01. Review status: criteria provided, single submitter. Criteria: CeGaT Center For Human Genetics Tuebingen Variant Classification Criteria Version 2. Collection method: clinical testing. Allele origin: germline. Affected: yes. Observed: 1 variant allele.
Comment: FLNA: PM2

Laboratorio de Genetica e Diagnostico Molecular, Hospital Israelita Albert Einstein
Classification: Uncertain significance. Last evaluated: 2021-02-18. Review status: criteria provided, single submitter. Criteria: ACMG Guidelines, 2015. Collection method: clinical testing. Allele origin: germline. Affected: yes.
Comment: ACMG classification criteria: PM2, PP3

NM_001110556.2(FLNA):c.7324G>A (p.Gly2442Ser)

Gene: FLNA (filamin A; minus strand). Cytogenetic location: Xq28.
Variant type: single nucleotide variant.
Coding change: c.7324G>A on transcript NM_001110556.2 (MANE Select); coding-DNA position 7324, G replaced by A.
Protein change: p.Gly2442Ser; replaces glycine 2442 with serine.
Molecular consequence: missense variant.
Genome position (GRCh38, 1-based): chrX:154,350,040, C>T on the plus strand (G>A on the coding strand, the complement: FLNA is on the minus strand). VCF-style: chrX-154350040-C-T. GRCh37 (hg19) VCF-style: chrX-153578408-C-T.
Other names: c.7300G>A, p.Gly2434Ser (NM_001456.4); short protein forms G2442S, G2434S.
Identifiers: ClinVar variation 1384018 (VCV001384018.22), dbSNP rs782189345, ClinGen allele CA10559924.